The following is an entry in ClinVar:

ClinVar aggregate classification (germline): Uncertain significance (0 of 4 stars; one submission).

Conditions:
Prostate cancer. Also called: Malignant tumor of prostate. Identifiers: Orphanet 1331, MedGen C0376358, MONDO:0008315, HP:0012125.

Submission:

Science for Life laboratory,  Karolinska Institutet
Classification: Uncertain significance for Malignant tumor of prostate. Review status: no assertion criteria provided. Collection method: not provided. Allele origin: somatic.
Comment: TumorID:SWE-10
ClinVar note: Converted during submission from Unknown to Uncertain significance.

NM_001184785.2(PARD3):c.572G>T (p.Cys191Phe)

Gene: PARD3 (par-3 family cell polarity regulator; minus strand). Cytogenetic location: 10p11.21.
Variant type: single nucleotide variant.
Coding change: c.572G>T on transcript NM_001184785.2 (MANE Select); coding-DNA position 572, G replaced by T.
Protein change: p.Cys191Phe; replaces cysteine 191 with phenylalanine.
Molecular consequence: missense variant.
Genome position (GRCh38, 1-based): chr10:34,470,095, C>A on the plus strand (G>T on the coding strand, the complement: PARD3 is on the minus strand). VCF-style: chr10-34470095-C-A. GRCh37 (hg19) VCF-style: chr10-34759023-C-A.
Other names: c.572G>T, p.Cys191Phe (NM_001184786.2, NM_001184787.2, NM_001184788.2 and 7 more transcripts); short protein forms C191F.
Identifiers: ClinVar variation 161555 (VCV000161555.2), dbSNP rs193920777, ClinGen allele CA174330.
Genomic context (GRCh38, chr10:34,470,095, plus strand): 5'-AAGAAGTCAGGAGGGGCAAGAGACAGCAGCAAACAAGCAGAGGTGGTTACCTTCCTGTCG[C>A]AGGTTTTAGGACTCCCAGCAGTGTTCTGCTTGAGGAAGCCAGCTGTTGTTGACCAGCGTG-3'
Protein context (NP_001171714.1, residues 181-201): KQNTAGSPKT[Cys191Phe]DRKKDENYRS